The following is an entry in ClinVar:

NM_001166108.2(PALLD):c.1171A>G (p.Thr391Ala)

Gene: PALLD (palladin, cytoskeletal associated protein; plus strand). Cytogenetic location: 4q32.3.
Variant type: single nucleotide variant.
Coding change: c.1171A>G on transcript NM_001166108.2 (MANE Select); coding-DNA position 1171, A replaced by G.
Protein change: p.Thr391Ala; replaces threonine 391 with alanine.
Molecular consequence: missense variant.
Genome position (GRCh38, 1-based): chr4:168,683,014, A>G. VCF-style: chr4-168683014-A-G. GRCh37 (hg19) VCF-style: chr4-169604165-A-G.
Other names: c.25A>G, p.Thr9Ala (NM_001166109.2); c.1171A>G, p.Thr391Ala (NM_016081.4); short protein forms T9A, T391A.
Identifiers: ClinVar variation 3304077 (VCV003304077.1).

ClinVar aggregate classification (germline): Uncertain significance (1 of 4 stars; one submission).

Submission:

Ambry Genetics
Classification: Uncertain significance. Last evaluated: 2024-05-03. Review status: criteria provided, single submitter. Criteria: Ambry Variant Classification Scheme 2023. Collection method: clinical testing. Allele origin: germline.
Comment: The p.T391A variant (also known as c.1171A>G), located in coding exon 4 of the PALLD gene, results from an A to G substitution at nucleotide position 1171. The threonine at codon 391 is replaced by alanine, an amino acid with similar properties. This amino acid position is conserved. In addition, the in silico prediction for this alteration is inconclusive. Based on the available evidence, the clinical significance of this variant remains unclear.